The following is an entry in ClinVar:

NM_000202.8(IDS):c.28_37del (p.Leu10fs)

Genes: IDS (iduronate 2-sulfatase; minus strand), LOC130068781 (ATAC-STARR-seq lymphoblastoid active region 30015; plus strand). Cytogenetic location: Xq28.
Variant type: Deletion.
Coding change: c.28_37del on transcript NM_000202.8 (MANE Select); coding-DNA positions 28 to 37, 10 bases deleted (CTTCTCTGGC; older notation c.28_37delCTTCTCTGGC).
Protein change: p.Leu10fs; shifts the reading frame from leucine 10.
Molecular consequence: frameshift variant. On other transcripts: non-coding transcript variant (1), 5 prime UTR variant (1).
Genome position (GRCh38, 1-based): chrX:149,505,101-149,505,110, GCCAGAGAAG deleted on the plus strand (CTTCTCTGGC on the coding strand, the reverse complement: IDS is on the minus strand); deleting any 10 consecutive bases within chrX:149,505,101-149,505,113 gives the same sequence; the c. name uses the placement nearest the transcript's 3' end. VCF-style (leftmost placement, unchanged base first): chrX-149505100-AGCCAGAGAAG-A. GRCh37 (hg19) VCF-style: chrX-148586630-AGCCAGAGAAG-A.
Other names: c.-199_-190del (NM_001166550.4); c.28_37del, p.Leu10fs (NM_006123.5); short protein forms L10fs.
Identifiers: ClinVar variation 3256055 (VCV003256055.2).

ClinVar aggregate classification (germline): Pathogenic (1 of 4 stars; one submission).

Conditions:
Mucopolysaccharidosis, MPS-II (MPS2). Also called: Hunter Syndrome; IDURONATE 2-SULFATASE DEFICIENCY; Mucopolysaccharidosis Type II; Mucopolysaccharidosis type 2; Attenuated MPS (subtype; formerly known as mild MPS II); Severe MPS II. Identifiers: Orphanet 580, Orphanet 79388, MedGen C0026705, MONDO:0010674, OMIM 309900.

Submission:

Laboratory of Diagnosis and Therapy of Lysosomal Disorders, University of Padova
Classification: Pathogenic for Mucopolysaccharidosis, MPS-II. Last evaluated: 2024-06-07. Review status: criteria provided, single submitter. Criteria: ACMG Guidelines, 2015. Collection method: literature only. Allele origin: germline. Affected: yes. Observed: 1 variant allele.
Comment: Null variant (PVS1_VeryStrong), Absent from controls (or at low frequency) in gnomAD database (PM2_Moderate), Patient’s phenotype or family history highly specific for the disease (PP4_Strong)

Classification method: ACMG Guidelines [PMID:25741868] with modifications

Literature cited by the submitters: PubMed 36945845.